The following is an entry in ClinVar:

ClinVar aggregate classification (germline): Uncertain significance (1 of 4 stars; one submission).

Conditions:
Inborn genetic diseases. Identifiers: MedGen C0950123, MeSH D030342.

Submission:

Ambry Genetics
Classification: Uncertain significance for Inborn genetic diseases. Last evaluated: 2026-03-03. Review status: criteria provided, single submitter. Criteria: Ambry Variant Classification Scheme 2023. Collection method: clinical testing. Allele origin: germline.
Comment: The p.T557P variant (also known as c.1669A>C), located in coding exon 12 of the ASXL1 gene, results from an A to C substitution at nucleotide position 1669. The threonine at codon 557 is replaced by proline, an amino acid with highly similar properties. This amino acid position is conserved. In addition, this alteration is predicted to be tolerated by in silico analysis. Based on the available evidence, the clinical significance of this variant remains unclear.

NM_015338.6(ASXL1):c.1669A>C (p.Thr557Pro)

Gene: ASXL1 (ASXL transcriptional regulator 1; plus strand). Cytogenetic location: 20q11.21.
Variant type: single nucleotide variant.
Coding change: c.1669A>C on transcript NM_015338.6 (MANE Select); coding-DNA position 1669, A replaced by C.
Protein change: p.Thr557Pro; replaces threonine 557 with proline.
Molecular consequence: missense variant.
Genome position (GRCh38, 1-based): chr20:32,433,867, A>C. VCF-style: chr20-32433867-A-C. GRCh37 (hg19) VCF-style: chr20-31021670-A-C.
Other names: c.1486A>C, p.Thr496Pro (NM_001363734.1); short protein forms T496P, T557P.
Identifiers: ClinVar variation 4827409 (VCV004827409.1).
Genomic context (GRCh38, chr20:32,433,867, plus strand): 5'-GAAAAGAAGCCCCGGCTTGAAGATCGTCAGTCCTTTCGTAACACAATTGAAAGTGTTCAC[A>C]CCGAAAAGCCACAGCCCACTAAAGAGGAGCCCAAAGTCCCGCCCATCCGGGTAGGAGACT-3'
Protein context (NP_056153.2, residues 547-567): SFRNTIESVH[Thr557Pro]EKPQPTKEEP